The following is an entry in ClinVar:

ClinVar aggregate classification (germline): Uncertain significance (1 of 4 stars; one submission).

gnomAD v4.1: 5 of 1,613,898 alleles (0.00031%); highest among the groups gnomAD compares: African/African-American, 0.0053%; no homozygotes.

Submission:

Mayo Clinic Laboratories, Mayo Clinic
Classification: Uncertain significance. Last evaluated: 2024-05-22. Review status: criteria provided, single submitter. Criteria: ACMG Guidelines, 2015. Collection method: clinical testing. Allele origin: germline. Observed: 1 variant allele.
Comment: PM1, PM2_moderate

Literature cited by the submitters: PubMed 30722078.

NM_000552.5(VWF):c.3092G>A (p.Cys1031Tyr)

Gene: VWF (von Willebrand factor; minus strand). Cytogenetic location: 12p13.31.
Variant type: single nucleotide variant.
Coding change: c.3092G>A on transcript NM_000552.5 (MANE Select); coding-DNA position 3092, G replaced by A.
Protein change: p.Cys1031Tyr; replaces cysteine 1031 with tyrosine.
Molecular consequence: missense variant.
Genome position (GRCh38, 1-based): chr12:6,025,922, C>T on the plus strand (G>A on the coding strand, the complement: VWF is on the minus strand). VCF-style: chr12-6025922-C-T. GRCh37 (hg19) VCF-style: chr12-6135088-C-T.
Other names: p.Cys1031Tyr; short protein forms C1031Y.
Identifiers: ClinVar variation 3380074 (VCV003380074.1).